The following is an entry in ClinVar:

NM_020812.4(DOCK6):c.1972-2A>G

Gene: DOCK6 (dedicator of cytokinesis 6; minus strand). Cytogenetic location: 19p13.2.
Variant type: single nucleotide variant.
Coding change: c.1972-2A>G on transcript NM_020812.4 (MANE Select); the canonical splice acceptor site of the intron before coding-DNA position 1972, A replaced by G.
Molecular consequence: splice acceptor variant.
Genome position (GRCh38, 1-based): chr19:11,237,559, T>C on the plus strand (A>G on the coding strand, the complement: DOCK6 is on the minus strand). VCF-style: chr19-11237559-T-C. GRCh37 (hg19) VCF-style: chr19-11348235-T-C.
Other names: c.1972-2A>G (NM_001367830.1).
Identifiers: ClinVar variation 1187972 (VCV001187972.3), dbSNP rs2147832572, ClinGen allele CA404101341.

ClinVar aggregate classification (germline): Likely pathogenic (1 of 4 stars; one submission).

Submission:

GeneDx
Classification: Likely pathogenic. Last evaluated: 2022-08-09. Review status: criteria provided, single submitter. Criteria: GeneDx Variant Classification Process June 2021. Collection method: clinical testing. Allele origin: germline. Affected: yes.
Comment: Canonical splice site variant expected to result in aberrant splicing, although in the absence of functional evidence the actual effect of this sequence change is unknown.; Not observed in large population cohorts (gnomAD); Has not been previously published as pathogenic or benign to our knowledge